The following is an entry in ClinVar:

ClinVar aggregate classification (germline): Uncertain significance (1 of 4 stars; one submission).

Conditions:
Hereditary spastic paraplegia 3A (SPG3A). Also called: Spastic paraplegia 3A, autosomal dominant; SPASTIC PARAPLEGIA 3, AUTOSOMAL DOMINANT; FAMILIAL SPASTIC PARAPLEGIA, AUTOSOMAL DOMINANT, 1; SPG3; STRUMPELL DISEASE; Spastic Paraplegia 3A. Identifiers: Orphanet 100984, MedGen C2931355, MONDO:0008437, OMIM 182600.

Submission:

Labcorp Genetics (formerly Invitae), Labcorp
Classification: Uncertain significance for Hereditary spastic paraplegia 3A. Last evaluated: 2019-02-03. Review status: criteria provided, single submitter. Criteria: Invitae Variant Classification Sherloc (09022015). Collection method: clinical testing. Allele origin: germline.
Comment: In summary, the available evidence is currently insufficient to determine the role of this variant in disease. Therefore, it has been classified as a Variant of Uncertain Significance. Algorithms developed to predict the effect of missense changes on protein structure and function (SIFT, PolyPhen-2, Align-GVGD) all suggest that this variant is likely to be disruptive, but these predictions have not been confirmed by published functional studies and their clinical significance is uncertain. This variant has not been reported in the literature in individuals with ATL1-related conditions. This variant is not present in population databases (ExAC no frequency). This sequence change replaces proline with threonine at codon 344 of the ATL1 protein (p.Pro344Thr). The proline residue is highly conserved and there is a small physicochemical difference between proline and threonine.

NM_015915.5(ATL1):c.1030C>A (p.Pro344Thr)

Gene: ATL1 (atlastin GTPase 1; plus strand). Cytogenetic location: 14q22.1.
Variant type: single nucleotide variant.
Coding change: c.1030C>A on transcript NM_015915.5 (MANE Select); coding-DNA position 1030, C replaced by A.
Protein change: p.Pro344Thr; replaces proline 344 with threonine.
Molecular consequence: missense variant.
Genome position (GRCh38, 1-based): chr14:50,621,882, C>A. VCF-style: chr14-50621882-C-A. GRCh37 (hg19) VCF-style: chr14-51088600-C-A.
Other names: c.1030C>A, p.Pro344Thr (NM_001127713.1, NM_181598.4); short protein forms P344T.
Identifiers: ClinVar variation 862105 (VCV000862105.9), dbSNP rs2039470124, ClinGen allele CA389673615.
Genomic context (GRCh38, chr14:50,621,882, plus strand): 5'-AATCTTTTTCTTTTTTTTTAGGCTTATATAAAGATCTATCAAGGTGAAGAATTACCACAT[C>A]CCAAATCCATGTTACAGGTATTTATTAATGAGGAGGCATGTTTTAAGACACGTGACTAAG-3'
Protein context (NP_056999.2, residues 334-354): KIYQGEELPH[Pro344Thr]KSMLQATAEA